The following is an entry in ClinVar:

NM_206933.4(USH2A):c.8681+1G>A

Gene: USH2A (usherin; minus strand). Cytogenetic location: 1q41.
Variant type: single nucleotide variant.
Coding change: c.8681+1G>A on transcript NM_206933.4 (MANE Select); the canonical splice donor site of the intron after coding-DNA position 8681, G replaced by A.
Molecular consequence: splice donor variant.
Genome position (GRCh38, 1-based): chr1:215,877,757, C>T on the plus strand (G>A on the coding strand, the complement: USH2A is on the minus strand). VCF-style: chr1-215877757-C-T. GRCh37 (hg19) VCF-style: chr1-216051099-C-T.
Identifiers: ClinVar variation 228416 (VCV000228416.15), dbSNP rs876657733, ClinGen allele CA10576378.

ClinVar aggregate classification (germline): Pathogenic/Likely pathogenic. Review status: criteria provided, multiple submitters, no conflicts (2 of 4 stars). 8 submissions from 8 submitters: Pathogenic (2); Likely pathogenic (5). 1 of the submissions does not count toward it. Last evaluated 2025-03-11.

Conditions:
USH2A-related disorder. Also called: USH2A-related condition; USH2A-related disorders. Identifiers: MedGen CN239332.
Retinitis pigmentosa 39 (RP39). Identifiers: Orphanet 791, MedGen C3151138, MONDO:0013436, OMIM 613809.
Usher syndrome type 2A. Also called: RETINAL DISEASE IN USHER SYNDROME TYPE IIA, MODIFIER OF; USHER SYNDROME, TYPE IIA. Identifiers: Orphanet 231178, Orphanet 886, MedGen C1848634, MONDO:0010169, OMIM 276901.
Usher syndrome. Also called: Usher's syndrome; Usher Syndromes. Identifiers: Orphanet 886, MedGen CN469326, MeSH D052245, MONDO:0019501. Disease mechanism: loss of function.
Rare genetic deafness. Identifiers: Orphanet 96210, MedGen C5680250.

Allele frequency attached by ClinVar (database versions not stated): TOPMed below 0.00001; gnomAD 0.00001.
gnomAD v4.1: 10 of 1,613,444 alleles (0.00062%); highest among the groups gnomAD compares: Non-Finnish European, 0.00076%; no homozygotes.

Submissions (8):

Labcorp Genetics (formerly Invitae), Labcorp
Classification: Pathogenic. Last evaluated: 2025-03-11. Review status: criteria provided, single submitter. Criteria: Invitae Variant Classification Sherloc (09022015). Collection method: clinical testing. Allele origin: germline.
Comment: This sequence change affects a donor splice site in intron 43 of the USH2A gene. It is expected to disrupt RNA splicing. Variants that disrupt the donor or acceptor splice site typically lead to a loss of protein function (PMID: 16199547), and loss-of-function variants in USH2A are known to be pathogenic (PMID: 10729113, 10909849, 20507924, 25649381). This variant is not present in population databases (gnomAD no frequency). Disruption of this splice site has been observed in individual(s) with Usher syndrome (PMID: 28944237). ClinVar contains an entry for this variant (Variation ID: 228416). Algorithms developed to predict the effect of sequence changes on RNA splicing suggest that this variant may disrupt the consensus splice site. For these reasons, this variant has been classified as Pathogenic.

Blueprint Genetics
Classification: Likely pathogenic for USH2A-related disorders. Last evaluated: 2024-06-26. Review status: criteria provided, single submitter. Criteria: ACMG Guidelines, 2015. Collection method: clinical testing. Allele origin: germline. Affected: yes. Observed: 4 variant alleles.

Fulgent Genetics
Classification: Likely pathogenic for Usher syndrome type 2A; Retinitis pigmentosa 39. Last evaluated: 2024-05-10. Review status: criteria provided, single submitter. Criteria: ACMG Guidelines, 2015. Collection method: clinical testing. Allele origin: germline.

Baylor Genetics
Classification: Likely pathogenic for Retinitis pigmentosa 39. Last evaluated: 2023-05-26. Review status: criteria provided, single submitter. Criteria: ACMG Guidelines, 2015. Collection method: clinical testing. Allele origin: unknown.

Genome-Nilou Lab
Classification: Likely pathogenic for Usher syndrome type 2A. Last evaluated: 2023-04-11. Review status: criteria provided, single submitter. Criteria: ACMG Guidelines, 2015. Collection method: clinical testing. Allele origin: germline. Affected: no.

Women's Health and Genetics/Laboratory Corporation of America, LabCorp
Classification: Likely pathogenic for Usher syndrome. Last evaluated: 2023-03-30. Review status: criteria provided, single submitter. Criteria: LabCorp Variant Classification Summary - May 2015. Collection method: clinical testing. Allele origin: germline.
Comment: Variant summary: USH2A c.8681+1G>A is located in a canonical splice-site and is predicted to affect mRNA splicing resulting in a significantly altered protein due to either exon skipping, shortening, or inclusion of intronic material. Several computational tools predict a significant impact on normal splicing: Three predict the variant abolishes the canonical 5' splicing donor site. However, these predictions have yet to be confirmed by functional studies. The variant was absent in 251254 control chromosomes (gnomAD). To our knowledge, no occurrence of c.8681+1G>A in individuals affected with Usher Syndrome and no experimental evidence demonstrating its impact on protein function have been reported. Two clinical diagnostic laboratories have submitted clinical-significance assessments for this variant to ClinVar after 2014 and classified the variant as pathogenic/likely pathogenic. Based on the evidence outlined above, the variant was classified as likely pathogenic.

Laboratory for Molecular Medicine, Mass General Brigham Personalized Medicine
Classification: Pathogenic for Rare genetic deafness; Usher syndrome. Last evaluated: 2015-11-03. Review status: criteria provided, single submitter. Criteria: LMM Criteria. Collection method: clinical testing. Allele origin: germline. Observed: 2 variant alleles.
Comment: The c.8681+1G>A variant in USH2A has not been previously reported in individuals with hearing loss or Usher syndrome nor in large population studies. This varia nt occurs in the invariant region (+/- 1/2) of the splice consensus sequence and is predicted to cause altered splicing leading to an abnormal or absent protein . The loss of USH2A function is an established disease mechanism in autosomal re cessive Usher syndrome. In summary, this variant meets our criteria to be classi fied as pathogenic for Usher syndrome in an autosomal recessive manner based on the predicted impact of the variant.

Counsyl
Classification: Likely pathogenic for Retinitis pigmentosa 39. Last evaluated: 2019-07-12. Review status: no assertion criteria provided. Collection method: clinical testing. Allele origin: unknown. Not counted in ClinVar's aggregate classification.

Literature cited by the submitters: PubMed 16199547 (cited by Labcorp Genetics (formerly Invitae), Labcorp); PubMed 10729113 (cited by Labcorp Genetics (formerly Invitae), Labcorp); PubMed 10909849 (cited by Labcorp Genetics (formerly Invitae), Labcorp); PubMed 20507924 (cited by Labcorp Genetics (formerly Invitae), Labcorp); PubMed 25649381 (cited by Labcorp Genetics (formerly Invitae), Labcorp); PubMed 28944237 (cited by Labcorp Genetics (formerly Invitae), Labcorp).